The following is an entry in ClinVar:

NM_001287.6(CLCN7):c.2258C>T (p.Ser753Leu)

Gene: CLCN7 (chloride voltage-gated channel 7; minus strand). Cytogenetic location: 16p13.3.
Variant type: single nucleotide variant.
Coding change: c.2258C>T on transcript NM_001287.6 (MANE Select); coding-DNA position 2258, C replaced by T.
Protein change: p.Ser753Leu; replaces serine 753 with leucine.
Molecular consequence: missense variant.
Genome position (GRCh38, 1-based): chr16:1,447,079, G>A on the plus strand (C>T on the coding strand, the complement: CLCN7 is on the minus strand). VCF-style: chr16-1447079-G-A. GRCh37 (hg19) VCF-style: chr16-1497080-G-A.
Other names: c.2186C>T, p.Ser729Leu (NM_001114331.3); short protein forms S729L, S753L.
Identifiers: ClinVar variation 2416733 (VCV002416733.6), dbSNP rs140032494, ClinGen allele CA7809864.

ClinVar aggregate classification (germline): Uncertain significance (1 of 4 stars; one submission).

Allele frequency attached by ClinVar (database versions not stated): gnomAD 0.00001; gnomAD exomes 0.00001; TOPMed 0.00001; ExAC 0.00002; ESP Exome Variant Server 0.00008.
gnomAD v4.1: 10 of 1,597,170 alleles (0.00063%); highest among the groups gnomAD compares: East Asian, 0.0023%; no homozygotes.

Submission:

Labcorp Genetics (formerly Invitae), Labcorp
Classification: Uncertain significance. Last evaluated: 2025-06-01. Review status: criteria provided, single submitter. Criteria: Invitae Variant Classification Sherloc (09022015). Collection method: clinical testing. Allele origin: germline.
Comment: This sequence change replaces serine, which is neutral and polar, with leucine, which is neutral and non-polar, at codon 753 of the CLCN7 protein (p.Ser753Leu). The frequency data for this variant in the population databases is considered unreliable, as metrics indicate poor data quality at this position in the gnomAD database. This missense change has been observed in individual(s) with Brugada syndrome (PMID: 26220970). ClinVar contains an entry for this variant (Variation ID: 2416733). An algorithm developed to predict the effect of missense changes on protein structure and function (PolyPhen-2) suggests that this variant is likely to be disruptive. In summary, the available evidence is currently insufficient to determine the role of this variant in disease. Therefore, it has been classified as a Variant of Uncertain Significance.

Literature cited by the submitters: PubMed 26220970.